The following is an entry in ClinVar:

NM_001367561.1(DOCK7):c.2009C>T (p.Thr670Ile)

Gene: DOCK7 (dedicator of cytokinesis 7; minus strand). Cytogenetic location: 1p31.3.
Variant type: single nucleotide variant.
Coding change: c.2009C>T on transcript NM_001367561.1 (MANE Select); coding-DNA position 2009, C replaced by T.
Protein change: p.Thr670Ile; replaces threonine 670 with isoleucine.
Molecular consequence: missense variant.
Genome position (GRCh38, 1-based): chr1:62,578,829, G>A on the plus strand (C>T on the coding strand, the complement: DOCK7 is on the minus strand). VCF-style: chr1-62578829-G-A. GRCh37 (hg19) VCF-style: chr1-63044500-G-A.
Other names: c.2009C>T, p.Thr670Ile (NM_001271999.2, NM_001272000.2, NM_001272001.2 and 2 more transcripts); short protein forms T670I.
Identifiers: ClinVar variation 2044168 (VCV002044168.4), dbSNP rs2525496932, ClinGen allele CA340629109.

ClinVar aggregate classification (germline): Uncertain significance (1 of 4 stars; one submission).

Conditions:
Developmental and epileptic encephalopathy, 23 (DEE23). Also called: Epileptic encephalopathy, early infantile, 23. Identifiers: Orphanet 411986, MedGen C4014492, MONDO:0014371, OMIM 615859.

Submission:

Labcorp Genetics (formerly Invitae), Labcorp
Classification: Uncertain significance for Developmental and epileptic encephalopathy, 23. Last evaluated: 2024-10-24. Review status: criteria provided, single submitter. Criteria: Invitae Variant Classification Sherloc (09022015). Collection method: clinical testing. Allele origin: germline.
Comment: This sequence change replaces threonine, which is neutral and polar, with isoleucine, which is neutral and non-polar, at codon 670 of the DOCK7 protein (p.Thr670Ile). This variant is not present in population databases (gnomAD no frequency). This variant has not been reported in the literature in individuals affected with DOCK7-related conditions. ClinVar contains an entry for this variant (Variation ID: 2044168). An algorithm developed to predict the effect of missense changes on protein structure and function (PolyPhen-2) suggests that this variant is likely to be disruptive. In summary, the available evidence is currently insufficient to determine the role of this variant in disease. Therefore, it has been classified as a Variant of Uncertain Significance.